The following is an entry in ClinVar:

ClinVar aggregate classification (germline): Conflicting classifications of pathogenicity. Review status: criteria provided, conflicting classifications (1 of 4 stars). 2 submissions from 2 submitters: Uncertain significance (1); Benign (1). Last evaluated 2026-04-18.

Conditions:
Norman-Roberts syndrome (LIS2). Also called: Lissencephaly 2 (Norman-Roberts type). Identifiers: Orphanet 89844, MedGen C0796089, MONDO:0009760, OMIM 257320.
Familial temporal lobe epilepsy 7. Identifiers: Orphanet 101046, MedGen C4225327, MONDO:0014639, OMIM 616436.

Allele frequency attached by ClinVar (database versions not stated): gnomAD 0.00013 and 0.00016; TOPMed 0.00010; gnomAD exomes 0.00001 and 0.00003; ExAC 0.00004.
gnomAD v4.1: 37 of 1,461,674 alleles (0.0025%); highest among the groups gnomAD compares: African/African-American, 0.033%; no homozygotes.

Submissions (2):

GeneDx
Classification: Uncertain significance. Last evaluated: 2026-04-18. Review status: criteria provided, single submitter. Criteria: GeneDx Variant Classification Process June 2021. Collection method: clinical testing. Allele origin: germline.
Comment: In silico analysis suggests that this missense variant does not alter protein structure/function; Has not been previously published as pathogenic or benign to our knowledge

Labcorp Genetics (formerly Invitae), Labcorp
Classification: Benign for Familial temporal lobe epilepsy 7; Norman-Roberts syndrome. Last evaluated: 2025-11-03. Review status: criteria provided, single submitter. Criteria: Invitae Variant Classification Sherloc (09022015). Collection method: clinical testing. Allele origin: germline.

NM_005045.4(RELN):c.5589G>T (p.Gln1863His)

Gene: RELN (reelin; minus strand). Cytogenetic location: 7q22.1.
Variant type: single nucleotide variant.
Coding change: c.5589G>T on transcript NM_005045.4 (MANE Select); coding-DNA position 5589, G replaced by T.
Protein change: p.Gln1863His; replaces glutamine 1863 with histidine.
Molecular consequence: missense variant.
Genome position (GRCh38, 1-based): chr7:103,557,990, C>A on the plus strand (G>T on the coding strand, the complement: RELN is on the minus strand). VCF-style: chr7-103557990-C-A. GRCh37 (hg19) VCF-style: chr7-103198437-C-A.
Other names: c.5589G>T, p.Gln1863His (NM_173054.3); short protein forms Q1863H.
Identifiers: ClinVar variation 834352 (VCV000834352.10), dbSNP rs774354428, ClinGen allele CA4421164.